The following is an entry in ClinVar:

NM_033109.5(PNPT1):c.1272G>T (p.Met424Ile)

Gene: PNPT1 (polyribonucleotide nucleotidyltransferase 1; minus strand). Cytogenetic location: 2p16.1.
Variant type: single nucleotide variant.
Coding change: c.1272G>T on transcript NM_033109.5 (MANE Select); coding-DNA position 1272, G replaced by T.
Protein change: p.Met424Ile; replaces methionine 424 with isoleucine.
Molecular consequence: missense variant.
Genome position (GRCh38, 1-based): chr2:55,660,169, C>A on the plus strand (G>T on the coding strand, the complement: PNPT1 is on the minus strand). VCF-style: chr2-55660169-C-A. GRCh37 (hg19) VCF-style: chr2-55887304-C-A.
Other names: short protein forms M424I.
Identifiers: ClinVar variation 3371140 (VCV003371140.1).
Genomic context (GRCh38, chr2:55,660,169, plus strand): 5'-AATTTATTAATTTATTAATAAAATTTTGAGGAAAAAAATTCACCTTACCTCGTAGTGCAG[C>A]ATGAAATTTTTATCTTTTATCCCACTAAAAATAAAAGGCATAATATTAAAAACATCATAG-3'
Protein context (NP_149100.2, residues 414-434): AINGIKDKNF[Met424Ile]LHYEFPPYAT

ClinVar aggregate classification (germline): Uncertain significance (1 of 4 stars; one submission).

gnomAD v4.1: 5 of 1,590,286 alleles (0.00031%); highest among the groups gnomAD compares: Non-Finnish European, 0.00043%; no homozygotes.

Submission:

GeneDx
Classification: Uncertain significance. Last evaluated: 2024-03-26. Review status: criteria provided, single submitter. Criteria: GeneDx Variant Classification Process June 2021. Collection method: clinical testing. Allele origin: germline. Affected: yes.
Comment: Not observed at significant frequency in large population cohorts (gnomAD); In silico analysis supports that this missense variant does not alter protein structure/function; Has not been previously published as pathogenic or benign to our knowledge